The following is an entry in ClinVar:

NM_012162.4(FBXL6):c.1299T>C (p.Phe433=)

Gene: FBXL6 (F-box and leucine rich repeat protein 6; minus strand). Cytogenetic location: 8q24.3.
Variant type: single nucleotide variant.
Coding change: c.1299T>C on transcript NM_012162.4 (MANE Select); coding-DNA position 1299, T replaced by C.
Protein change: p.Phe433=; no amino-acid change (phenylalanine 433 retained).
Molecular consequence: synonymous variant.
Genome position (GRCh38, 1-based): chr8:144,356,141, A>G on the plus strand (T>C on the coding strand, the complement: FBXL6 is on the minus strand). VCF-style: chr8-144356141-A-G. GRCh37 (hg19) VCF-style: chr8-145579801-A-G.
Other names: c.1281T>C, p.Phe427= (NM_024555.6).
Identifiers: ClinVar variation 4533457 (VCV004533457.6).
Genomic context (GRCh38, chr8:144,356,141, plus strand): 5'-ACTGAACCCCTGGCCACTCAAGTCCAGTTCTCGCAGTGTATGGCACCACTTCTGGGTCAA[A>G]AAGGGGCTGCCCTCCTTGGCTAGAGTCAGCCGGTCTGACGTGCCATACAGGCCCAGATGA-3'
Protein context (NP_036294.2, residues 423-443): RLTLAKEGSP[Phe433=]LTQKWCHTLR

ClinVar aggregate classification (germline): Likely benign (1 of 4 stars; one submission).

Submission:

CeGaT Center for Human Genetics Tuebingen
Classification: Likely benign. Last evaluated: 2026-09-01. Review status: criteria provided, single submitter. Criteria: CeGaT Center For Human Genetics Tuebingen Variant Classification Criteria Version 2. Collection method: clinical testing. Allele origin: germline. Affected: yes. Observed: 2 variant alleles.
Comment: FBXL6: BP4, BP7